The following is an entry in ClinVar:

ClinVar aggregate classification (germline): Likely pathogenic (1 of 4 stars; one submission).

Conditions:
Dilated cardiomyopathy 1G (CMD1G). Identifiers: Orphanet 154, MedGen C1858763, MONDO:0011400, OMIM 604145.
Autosomal recessive limb-girdle muscular dystrophy type 2J (LGMDR10). Also called: Limb-girdle muscular dystrophy, type 2J; MUSCULAR DYSTROPHY, LIMB-GIRDLE, AUTOSOMAL RECESSIVE 10. Identifiers: Orphanet 140922, MedGen C1837342, MONDO:0012127, OMIM 608807.

Submission:

Labcorp Genetics (formerly Invitae), Labcorp
Classification: Likely pathogenic for Dilated cardiomyopathy 1G; Autosomal recessive limb-girdle muscular dystrophy type 2J. Last evaluated: 2024-08-11. Review status: criteria provided, single submitter. Criteria: Invitae Variant Classification Sherloc (09022015). Collection method: clinical testing. Allele origin: germline.
Comment: This sequence change creates a premature translational stop signal (p.Trp23553*) in the TTN gene. While this is not anticipated to result in nonsense mediated decay, it is expected to create a truncated TTN protein. This variant is not present in population databases (gnomAD no frequency). This variant has not been reported in the literature in individuals affected with TTN-related conditions. This variant is located in the A band of TTN (PMID: 25589632). Truncating variants in this region are significantly overrepresented in patients affected with dilated cardiomyopathy (PMID: 25589632). Truncating variants in this region have also been reported in individuals affected with autosomal recessive centronuclear myopathy (PMID: 23975875). In summary, the currently available evidence indicates that the variant is pathogenic, but additional data are needed to prove that conclusively. Therefore, this variant has been classified as Likely Pathogenic.

Literature cited by the submitters: PubMed 25589632; PubMed 23975875.

NM_001267550.2(TTN):c.70659G>A (p.Trp23553Ter)

Genes: TTN (titin; minus strand), TTN-AS1 (TTN antisense RNA 1; plus strand). Cytogenetic location: 2q31.2.
Variant type: single nucleotide variant.
Coding change: c.70659G>A on transcript NM_001267550.2 (MANE Select); coding-DNA position 70659, G replaced by A.
Protein change: p.Trp23553Ter; replaces tryptophan 23553 with a stop codon.
Molecular consequence: nonsense.
Genome position (GRCh38, 1-based): chr2:178,575,473, C>T on the plus strand (G>A on the coding strand, the complement: TTN is on the minus strand). VCF-style: chr2-178575473-C-T. GRCh37 (hg19) VCF-style: chr2-179440200-C-T.
Other names: c.65736G>A, p.Trp21912Ter (NM_001256850.1); c.43464G>A, p.Trp14488Ter (NM_003319.4); c.62955G>A, p.Trp20985Ter (NM_133378.4); c.43839G>A, p.Trp14613Ter (NM_133432.3); c.44040G>A, p.Trp14680Ter (NM_133437.4); short protein forms W14488*, W14613*, W14680*, W20985*, W21912*, W23553*.
Identifiers: ClinVar variation 3757626 (VCV003757626.2).
Genomic context (GRCh38, chr2:178,575,473, plus strand): 5'-TCTTTGGGCTTCAATCACATAGCCAGTGATCTTGCTGCCACCATCGTGTTTGGGCTTAGG[C>T]CATGCCAGGCTGACGGTGCTCTTAGTTATGTCCATGATGTTAAGGCTGTCTGGTGGAGAT-3'